The following is an entry in ClinVar:

ClinVar aggregate classification (germline): Uncertain significance (1 of 4 stars; one submission).

Allele frequency attached by ClinVar (database versions not stated): gnomAD exomes below 0.00001.

Submission:

Labcorp Genetics (formerly Invitae), Labcorp
Classification: Uncertain significance. Last evaluated: 2021-12-23. Review status: criteria provided, single submitter. Criteria: Invitae Variant Classification Sherloc (09022015). Collection method: clinical testing. Allele origin: germline.
Comment: This sequence change affects codon 132 of the PRPF4 mRNA. It is a 'silent' change, meaning that it does not change the encoded amino acid sequence of the PRPF4 protein. It affects a nucleotide within the consensus splice site. This variant is present in population databases (no rsID available, gnomAD 0.007%). This variant has not been reported in the literature in individuals affected with PRPF4-related conditions. Algorithms developed to predict the effect of sequence changes on RNA splicing suggest that this variant is not likely to affect RNA splicing. In summary, the available evidence is currently insufficient to determine the role of this variant in disease. Therefore, it has been classified as a Variant of Uncertain Significance.

NM_001244926.2(PRPF4):c.393G>A (p.Arg131=)

Gene: PRPF4 (pre-mRNA splicing tri-snRNP complex factor PRPF4; plus strand). Cytogenetic location: 9q32.
Variant type: single nucleotide variant.
Coding change: c.393G>A on transcript NM_001244926.2 (MANE Select); coding-DNA position 393, G replaced by A.
Protein change: p.Arg131=; no amino-acid change (arginine 131 retained).
Molecular consequence: synonymous variant. On other transcripts: 5 prime UTR variant (2), non-coding transcript variant (2).
Genome position (GRCh38, 1-based): chr9:113,282,646, G>A. VCF-style: chr9-113282646-G-A. GRCh37 (hg19) VCF-style: chr9-116044926-G-A.
Other names: c.-373G>A (NM_001322266.2, NM_001322267.2); c.396G>A, p.Arg132= (NM_004697.5).
Identifiers: ClinVar variation 2055947 (VCV002055947.4), dbSNP rs1438424886, ClinGen allele CA466757950.
Genomic context (GRCh38, chr9:113,282,646, plus strand): 5'-TTAAAAACAGTATTATCTCAACCATGTTTAAATTCTGATCTTTTTTTTTTTTTTTAACAG[G>A]TTAAGAAATATCCTCTCAGTTGTCGGTACTGATGCCTTGAAAAAGACCAAAAAGGATGAT-3'
Protein context (NP_001231855.1, residues 121-141): FGEGPAERRE[Arg131=]LRNILSVVGT